The following is an entry in ClinVar:

ClinVar aggregate classification (germline): Uncertain significance. Review status: criteria provided, multiple submitters, no conflicts (2 of 4 stars). 3 submissions from 3 submitters: Uncertain significance (3). Last evaluated 2024-12-15.

Conditions:
Hereditary cancer-predisposing syndrome. Also called: Neoplastic Syndromes, Hereditary; Tumor predisposition; Hereditary Cancer Syndrome; Hereditary neoplastic syndrome. Identifiers: Orphanet 140162, MedGen C0027672, MeSH D009386, MONDO:0015356.
Parathyroid carcinoma (PRTC). Also called: CDC73-Related Parathyroid Carcinoma; Parathyroid gland carcinoma. Identifiers: Orphanet 143, MedGen C0687150, MONDO:0012004, OMIM 608266, HP:0006780.
Hyperparathyroidism 1 (HRPT1). Also called: HYPERPARATHYROIDISM, FAMILIAL ISOLATED PRIMARY. Identifiers: Orphanet 99879, MedGen C1840402, MONDO:0007767, OMIM 145000.

Allele frequency attached by ClinVar (database versions not stated): gnomAD exomes below 0.00001.
gnomAD v4.1: 2 of 1,613,774 alleles (0.00012%); highest among the groups gnomAD compares: Non-Finnish European, 0.00017%; no homozygotes.

Submissions (3):

Ambry Genetics
Classification: Uncertain significance for Hereditary cancer-predisposing syndrome. Last evaluated: 2024-12-15. Review status: criteria provided, single submitter. Criteria: Ambry Variant Classification Scheme 2023. Collection method: clinical testing. Allele origin: germline.
Comment: The p.I116M variant (also known as c.348A>G), located in coding exon 4 of the CDC73 gene, results from an A to G substitution at nucleotide position 348. The isoleucine at codon 116 is replaced by methionine, an amino acid with highly similar properties. This amino acid position is highly conserved in available vertebrate species. In addition, the in silico prediction for this alteration is inconclusive. Since supporting evidence is limited at this time, the clinical significance of this alteration remains unclear.

Baylor Genetics
Classification: Uncertain significance for Hyperparathyroidism 1. Last evaluated: 2023-11-22. Review status: criteria provided, single submitter. Criteria: ACMG Guidelines, 2015. Collection method: clinical testing. Allele origin: unknown.

Labcorp Genetics (formerly Invitae), Labcorp
Classification: Uncertain significance for Parathyroid carcinoma. Last evaluated: 2023-04-16. Review status: criteria provided, single submitter. Criteria: Invitae Variant Classification Sherloc (09022015). Collection method: clinical testing. Allele origin: germline.
Comment: Advanced modeling of protein sequence and biophysical properties (such as structural, functional, and spatial information, amino acid conservation, physicochemical variation, residue mobility, and thermodynamic stability) performed at Invitae indicates that this missense variant is not expected to disrupt CDC73 protein function. In summary, the available evidence is currently insufficient to determine the role of this variant in disease. Therefore, it has been classified as a Variant of Uncertain Significance. ClinVar contains an entry for this variant (Variation ID: 1731906). This variant has not been reported in the literature in individuals affected with CDC73-related conditions. This variant is not present in population databases (gnomAD no frequency). This sequence change replaces isoleucine, which is neutral and non-polar, with methionine, which is neutral and non-polar, at codon 116 of the CDC73 protein (p.Ile116Met).

NM_024529.5(CDC73):c.348A>G (p.Ile116Met)

Gene: CDC73 (cell division cycle 73; plus strand). Cytogenetic location: 1q31.2.
Variant type: single nucleotide variant.
Coding change: c.348A>G on transcript NM_024529.5 (MANE Select); coding-DNA position 348, A replaced by G.
Protein change: p.Ile116Met; replaces isoleucine 116 with methionine.
Molecular consequence: missense variant.
Genome position (GRCh38, 1-based): chr1:193,135,431, A>G. VCF-style: chr1-193135431-A-G. GRCh37 (hg19) VCF-style: chr1-193104561-A-G.
Other names: short protein forms I116M.
Identifiers: ClinVar variation 1731906 (VCV001731906.5), dbSNP rs761807789, ClinGen allele CA34369330.